The following is an entry in ClinVar:

NM_001013703.4(EIF2AK4):c.2431C>T (p.Arg811Ter)

Gene: EIF2AK4 (eukaryotic translation initiation factor 2 alpha kinase 4; plus strand). Cytogenetic location: 15q15.1.
Variant type: single nucleotide variant.
Coding change: c.2431C>T on transcript NM_001013703.4 (MANE Select); coding-DNA position 2431, C replaced by T.
Protein change: p.Arg811Ter; replaces arginine 811 with a stop codon.
Molecular consequence: nonsense.
Genome position (GRCh38, 1-based): chr15:39,988,010, C>T. VCF-style: chr15-39988010-C-T. GRCh37 (hg19) VCF-style: chr15-40280211-C-T.
Other names: short protein forms R811*.
Identifiers: ClinVar variation 1455657 (VCV001455657.6), dbSNP rs1199542196, ClinGen allele CA391688861.

ClinVar aggregate classification (germline): Pathogenic (1 of 4 stars; one submission).

Allele frequency attached by ClinVar (database versions not stated): gnomAD exomes below 0.00001.
gnomAD v4.1: 5 of 1,614,126 alleles (0.00031%); highest among the groups gnomAD compares: Non-Finnish European, 0.00042%; no homozygotes.

Submission:

Labcorp Genetics (formerly Invitae), Labcorp
Classification: Pathogenic. Last evaluated: 2021-07-13. Review status: criteria provided, single submitter. Criteria: Invitae Variant Classification Sherloc (09022015). Collection method: clinical testing. Allele origin: germline.
Comment: This sequence change creates a premature translational stop signal (p.Arg811*) in the EIF2AK4 gene. It is expected to result in an absent or disrupted protein product. Loss-of-function variants in EIF2AK4 are known to be pathogenic (PMID: 12215525, 24135949, 24292273, 24310610, 28972005, 29743074). This variant is not present in population databases (ExAC no frequency). This variant has not been reported in the literature in individuals affected with EIF2AK4-related conditions. For these reasons, this variant has been classified as Pathogenic.

Literature cited by the submitters: PubMed 12215525; PubMed 24135949; PubMed 24292273; PubMed 24310610; PubMed 28972005; PubMed 29743074.